The following is an entry in ClinVar:

ClinVar aggregate classification (germline): Uncertain significance (1 of 4 stars; one submission).

Conditions:
Arrhythmogenic right ventricular dysplasia 9 (ARVD9). Also called: Arrhythmogenic Right Ventricular Dysplasia/Cardiomyopathy 9; ARRHYTHMOGENIC RIGHT VENTRICULAR DYSPLASIA, FAMILIAL, 9. Identifiers: MedGen C1836906, MONDO:0012180, OMIM 609040.

Submission:

Labcorp Genetics (formerly Invitae), Labcorp
Classification: Uncertain significance for Arrhythmogenic right ventricular dysplasia 9. Last evaluated: 2023-09-10. Review status: criteria provided, single submitter. Criteria: Invitae Variant Classification Sherloc (09022015). Collection method: clinical testing. Allele origin: germline.
Comment: In summary, the available evidence is currently insufficient to determine the role of this variant in disease. Therefore, it has been classified as a Variant of Uncertain Significance. Algorithms developed to predict the effect of missense changes on protein structure and function output the following: SIFT: "Not Available"; PolyPhen-2: "Benign"; Align-GVGD: "Not Available". The arginine amino acid residue is found in multiple mammalian species, which suggests that this missense change does not adversely affect protein function. This variant has not been reported in the literature in individuals affected with PKP2-related conditions. This variant is not present in population databases (gnomAD no frequency). This sequence change replaces leucine, which is neutral and non-polar, with arginine, which is basic and polar, at codon 277 of the PKP2 protein (p.Leu277Arg).

NM_001005242.3(PKP2):c.830T>G (p.Leu277Arg)

Gene: PKP2 (plakophilin 2; minus strand). Cytogenetic location: 12p11.21.
Variant type: single nucleotide variant.
Coding change: c.830T>G on transcript NM_001005242.3 (MANE Select); coding-DNA position 830, T replaced by G.
Protein change: p.Leu277Arg; replaces leucine 277 with arginine.
Molecular consequence: missense variant.
Genome position (GRCh38, 1-based): chr12:32,878,050, A>C on the plus strand (T>G on the coding strand, the complement: PKP2 is on the minus strand). VCF-style: chr12-32878050-A-C. GRCh37 (hg19) VCF-style: chr12-33030984-A-C.
Other names: c.830T>G, p.Leu277Arg (NM_001407155.1, NM_001407156.1, NM_001407157.1 and 2 more transcripts); c.503T>G, p.Leu168Arg (NM_001407158.1, NM_001407159.1, NM_001407160.1 and 1 more transcripts); short protein forms L168R, L277R.
Identifiers: ClinVar variation 2759636 (VCV002759636.3), dbSNP rs772827289, ClinGen allele CA384362239.
Genomic context (GRCh38, chr12:32,878,050, plus strand): 5'-CTGTGGAAGGAGCTCTGATGCCAGGAGGACCTGGAAGCCCTGTTCTGAGTGACGGGCTGC[A>C]GGGGCACCAGCGGCCTGACCTGCCCGACAGTGAGCCCTGCCGTCAGGTAGTTCTCCTTCT-3'
Protein context (NP_001005242.2, residues 267-287): TVGQVRPLVP[Leu277Arg]QPVTQNRASR